The following is an entry in ClinVar:

NM_004415.4(DSP):c.1528C>T (p.Leu510=)

Gene: DSP (desmoplakin; plus strand). Cytogenetic location: 6p24.3.
Variant type: single nucleotide variant.
Coding change: c.1528C>T on transcript NM_004415.4 (MANE Select); coding-DNA position 1528, C replaced by T.
Protein change: p.Leu510=; no amino-acid change (leucine 510 retained).
Molecular consequence: synonymous variant.
Genome position (GRCh38, 1-based): chr6:7,569,294, C>T. VCF-style: chr6-7569294-C-T. GRCh37 (hg19) VCF-style: chr6-7569527-C-T.
Other names: c.1528C>T, p.Leu510= (NM_001008844.3, NM_001319034.2).
Identifiers: ClinVar variation 764124 (VCV000764124.14), dbSNP rs1019692996, ClinGen allele CA133956413.

ClinVar aggregate classification (germline): Conflicting classifications of pathogenicity. Review status: criteria provided, conflicting classifications (1 of 4 stars). 4 submissions from 4 submitters: Uncertain significance (1); Likely benign (3). Last evaluated 2024-07-01.

Conditions:
Arrhythmogenic right ventricular dysplasia 8 (ARVD8). Also called: Arrhythmogenic Right Ventricular Dysplasia/Cardiomyopathy 8; ARRHYTHMOGENIC RIGHT VENTRICULAR CARDIOMYOPATHY 8; ARRHYTHMOGENIC RIGHT VENTRICULAR DYSPLASIA, FAMILIAL, 8. Identifiers: MedGen C1843896, MONDO:0011831, OMIM 607450.
Arrhythmogenic cardiomyopathy with wooly hair and keratoderma. Also called: PALMOPLANTAR KERATODERMA WITH LEFT VENTRICULAR CARDIOMYOPATHY AND WOOLLY HAIR; Arrhythmogenic cardiomyopathy with woolly hair and keratoderma; Dilated cardiomyopathy with woolly hair and keratoderma; Carvajal syndrome. Identifiers: Orphanet 65282, MedGen C1854063, MONDO:0011581, OMIM 605676.
Cardiovascular phenotype. Identifiers: MedGen CN230736.

Allele frequency attached by ClinVar (database versions not stated): gnomAD exomes below 0.00001 and 0.00003; gnomAD 0.00001; TOPMed 0.00002.
gnomAD v4.1: 42 of 1,614,020 alleles (0.0026%); highest among the groups gnomAD compares: Middle Eastern, 0.016%; no homozygotes.

Submissions (4):

Labcorp Genetics (formerly Invitae), Labcorp
Classification: Likely benign for Arrhythmogenic cardiomyopathy with wooly hair and keratoderma; Arrhythmogenic right ventricular dysplasia 8. Last evaluated: 2024-07-01. Review status: criteria provided, single submitter. Criteria: Invitae Variant Classification Sherloc (09022015). Collection method: clinical testing. Allele origin: germline.

Ambry Genetics
Classification: Uncertain significance for Cardiovascular phenotype. Last evaluated: 2024-01-05. Review status: criteria provided, single submitter. Criteria: Ambry Variant Classification Scheme 2023. Collection method: clinical testing. Allele origin: germline.
Comment: The c.1528C>T variant (also known as p.L510L), located in coding exon 12 of the DSP gene, results from a C to T substitution at nucleotide position 1528. This nucleotide substitution does not change the leucine at codon 510. This nucleotide position is well conserved in available vertebrate species. In silico splice site analysis for this alteration is inconclusive. Since supporting evidence is limited at this time, the clinical significance of this alteration remains unclear.

All of Us Research Program, National Institutes of Health
Classification: Likely benign for Arrhythmogenic cardiomyopathy with wooly hair and keratoderma. Last evaluated: 2023-12-01. Review status: criteria provided, single submitter. Criteria: ACMG Guidelines, 2015. Collection method: clinical testing. Allele origin: germline. Inheritance: Autosomal dominant inheritance. Observed: 3 variant alleles, 3 heterozygotes.
Comment: This study involves interpretation of variants in research participants for the purpose of population health screening. Participant phenotype was not available at the time of variant classification. Additional details can be found in publication PMID: 35346344, PMCID: PMC8962531

Blueprint Genetics
Classification: Likely benign. Last evaluated: 2022-02-08. Review status: criteria provided, single submitter. Criteria: ACMG Guidelines, 2015. Collection method: clinical testing. Allele origin: germline.